The following is an entry in ClinVar:

NM_015450.3(POT1):c.1214C>T (p.Ala405Val)

Gene: POT1 (protection of telomeres 1; minus strand). Cytogenetic location: 7q31.33.
Variant type: single nucleotide variant.
Coding change: c.1214C>T on transcript NM_015450.3 (MANE Select); coding-DNA position 1214, C replaced by T.
Protein change: p.Ala405Val; replaces alanine 405 with valine.
Molecular consequence: missense variant. On other transcripts: non-coding transcript variant (3).
Genome position (GRCh38, 1-based): chr7:124,841,128, G>A on the plus strand (C>T on the coding strand, the complement: POT1 is on the minus strand). VCF-style: chr7-124841128-G-A. GRCh37 (hg19) VCF-style: chr7-124481182-G-A.
Other names: c.821C>T, p.Ala274Val (NM_001042594.2); short protein forms A405V, A274V.
Identifiers: ClinVar variation 475031 (VCV000475031.15), dbSNP rs904242272, ClinGen allele CA166104486.

ClinVar aggregate classification (germline): Uncertain significance. Review status: criteria provided, multiple submitters, no conflicts (2 of 4 stars). 3 submissions from 3 submitters: Uncertain significance (3). Last evaluated 2025-10-27.

Conditions:
Tumor predisposition syndrome 3 (TPDS3). Also called: Glioma susceptibility 9; LONG TELOMERE SYNDROME, POT1-RELATED; POT1 Tumor Predisposition; Melanoma, cutaneous malignant, susceptibility to, 10. Identifiers: Orphanet 618, MedGen C4014476, MONDO:0014368, OMIM 615848.
Hereditary cancer-predisposing syndrome. Also called: Hereditary neoplastic syndrome; Hereditary Cancer Syndrome; Neoplastic Syndromes, Hereditary; Tumor predisposition. Identifiers: Orphanet 140162, MedGen C0027672, MeSH D009386, MONDO:0015356.

Allele frequency attached by ClinVar (database versions not stated): gnomAD exomes 0.00001; gnomAD 0.00003.
gnomAD v4.1: 11 of 1,612,556 alleles (0.00068%); highest among the groups gnomAD compares: Admixed American, 0.015%; no homozygotes.

Submissions (3):

Labcorp Genetics (formerly Invitae), Labcorp
Classification: Uncertain significance for Tumor predisposition syndrome 3. Last evaluated: 2025-10-27. Review status: criteria provided, single submitter. Criteria: Invitae Variant Classification Sherloc (09022015). Collection method: clinical testing. Allele origin: germline.
Comment: This sequence change replaces alanine, which is neutral and non-polar, with valine, which is neutral and non-polar, at codon 405 of the POT1 protein (p.Ala405Val). This variant is not present in population databases (gnomAD no frequency). This variant has not been reported in the literature in individuals affected with POT1-related conditions. ClinVar contains an entry for this variant (Variation ID: 475031). Invitae Evidence Modeling of protein sequence and biophysical properties (such as structural, functional, and spatial information, amino acid conservation, physicochemical variation, residue mobility, and thermodynamic stability) indicates that this missense variant is not expected to disrupt POT1 protein function with a negative predictive value of 80%. In summary, the available evidence is currently insufficient to determine the role of this variant in disease. Therefore, it has been classified as a Variant of Uncertain Significance.

Ambry Genetics
Classification: Uncertain significance for Hereditary cancer-predisposing syndrome. Last evaluated: 2025-03-28. Review status: criteria provided, single submitter. Criteria: Ambry Variant Classification Scheme 2023. Collection method: clinical testing. Allele origin: germline.
Comment: The p.A405V variant (also known as c.1214C>T), located in coding exon 10 of the POT1 gene, results from a C to T substitution at nucleotide position 1214. The alanine at codon 405 is replaced by valine, an amino acid with similar properties. This amino acid position is not well conserved in available vertebrate species. In addition, this alteration is predicted to be tolerated by in silico analysis. Since supporting evidence is limited at this time, the clinical significance of this alteration remains unclear.

GeneDx
Classification: Uncertain significance. Last evaluated: 2023-03-30. Review status: criteria provided, single submitter. Criteria: GeneDx Variant Classification Process June 2021. Collection method: clinical testing. Allele origin: germline. Affected: yes.
Comment: Not observed at significant frequency in large population cohorts (gnomAD); In silico analysis supports that this missense variant does not alter protein structure/function; Has not been previously published as pathogenic or benign to our knowledge; This variant is associated with the following publications: (PMID: 28393830)